The following is an entry in ClinVar:

NM_001371727.1(GABRB2):c.1286G>A (p.Ser429Asn)

Gene: GABRB2 (gamma-aminobutyric acid type A receptor subunit beta2; minus strand). Cytogenetic location: 5q34.
Variant type: single nucleotide variant.
Coding change: c.1286G>A on transcript NM_001371727.1 (MANE Select); coding-DNA position 1286, G replaced by A.
Protein change: p.Ser429Asn; replaces serine 429 with asparagine.
Molecular consequence: missense variant.
Genome position (GRCh38, 1-based): chr5:161,294,334, C>T on the plus strand (G>A on the coding strand, the complement: GABRB2 is on the minus strand). VCF-style: chr5-161294334-C-T. GRCh37 (hg19) VCF-style: chr5-160721341-C-T.
Other names: c.1172G>A, p.Ser391Asn (NM_000813.3); c.1286G>A, p.Ser429Asn (NM_021911.3); short protein forms S391N, S429N.
Identifiers: ClinVar variation 645525 (VCV000645525.12), dbSNP rs1580954153, ClinGen allele CA362173468.
Genomic context (GRCh38, chr5:161,294,334, plus strand): 5'-TGCCTGGGCAACCCAGCTTTCCGATACTGGATGCTGGAGGCATCATAGGCTAGCATTGTG[C>T]TTCTGGGGTCTCCAAGTCCCATCACAGCCTCAGATGTGGCCATTTCATTTTTTATCTCGA-3'
Protein context (NP_001358656.1, residues 419-439): EAVMGLGDPR[Ser429Asn]TMLAYDASSI

ClinVar aggregate classification (germline): Uncertain significance. Review status: criteria provided, multiple submitters, no conflicts (2 of 4 stars). 3 submissions from 3 submitters: Uncertain significance (3). Last evaluated 2024-12-27.

Conditions:
Intellectual disability. Also called: intellectual disabilities; Intellectual developmental disorder; Intellectual functioning disability. Identifiers: MedGen C3714756, MeSH D008607, MONDO:0001071, HP:0001249.
Developmental and epileptic encephalopathy 92. Also called: EPILEPTIC ENCEPHALOPATHY, INFANTILE OR EARLY CHILDHOOD, 2. Identifiers: MedGen C4693362, MONDO:0020631, OMIM 617829.

Allele frequency attached by ClinVar (database versions not stated): TOPMed below 0.00001.
gnomAD v4.1: 1 of 1,614,116 alleles (0.000062%); no homozygotes.

Submissions (3):

Laboratorio de Genetica e Diagnostico Molecular, Hospital Israelita Albert Einstein
Classification: Uncertain significance for Developmental and epileptic encephalopathy 92. Last evaluated: 2024-12-27. Review status: criteria provided, single submitter. Criteria: ACMG Guidelines, 2015. Collection method: clinical testing. Allele origin: germline. Affected: yes.
Comment: ACMG classification criteria: PM2 supporting, PP2 supporting, BP4 supporting

Labcorp Genetics (formerly Invitae), Labcorp
Classification: Uncertain significance for Intellectual disability. Last evaluated: 2024-08-11. Review status: criteria provided, single submitter. Criteria: Invitae Variant Classification Sherloc (09022015). Collection method: clinical testing. Allele origin: germline.
Comment: This sequence change replaces serine, which is neutral and polar, with asparagine, which is neutral and polar, at codon 429 of the GABRB2 protein (p.Ser429Asn). This variant is not present in population databases (gnomAD no frequency). This variant has not been reported in the literature in individuals affected with GABRB2-related conditions. ClinVar contains an entry for this variant (Variation ID: 645525). Advanced modeling of protein sequence and biophysical properties (such as structural, functional, and spatial information, amino acid conservation, physicochemical variation, residue mobility, and thermodynamic stability) performed at Invitae indicates that this missense variant is not expected to disrupt GABRB2 protein function with a negative predictive value of 95%. In summary, the available evidence is currently insufficient to determine the role of this variant in disease. Therefore, it has been classified as a Variant of Uncertain Significance.

Dasa
Classification: Uncertain significance. Last evaluated: 2024-07-04. Review status: criteria provided, single submitter. Criteria: DASA Assertion Criteria. Collection method: clinical testing. Allele origin: germline.
Comment: NM_001371727.1(GABRB2):c.1286G>A (p.Ser429Asn) is a missense variant that results in the substitution of serine with asparagine. This variant is rare in population databases. Computational prediction algorithms are consistent with a benign effect. The currently available literature and clinical evidence are not sufficient to establish a definitive association between this variant and the reported condition. Therefore, this variant is classified as a variant of uncertain significance.